The following is an entry in ClinVar:

NM_058216.3(RAD51C):c.50T>C (p.Phe17Ser)

Gene: RAD51C (RAD51 paralog C; plus strand). Cytogenetic location: 17q22.
Variant type: single nucleotide variant.
Coding change: c.50T>C on transcript NM_058216.3 (MANE Select); coding-DNA position 50, T replaced by C.
Protein change: p.Phe17Ser; replaces phenylalanine 17 with serine.
Molecular consequence: missense variant. On other transcripts: non-coding transcript variant (1).
Genome position (GRCh38, 1-based): chr17:58,692,693, T>C. VCF-style: chr17-58692693-T-C. GRCh37 (hg19) VCF-style: chr17-56770054-T-C.
Other names: c.50T>C, p.Phe17Ser (NM_002876.4); short protein forms F17S.
Identifiers: ClinVar variation 632964 (VCV000632964.15), dbSNP rs1411454855, ClinGen allele CA400336673.
Genomic context (GRCh38, chr17:58,692,693, plus strand): 5'-GTGAGCCTGCGATGCGCGGGAAGACGTTCCGCTTTGAAATGCAGCGGGATTTGGTGAGTT[T>C]CCCGCTGTCTCCAGCGGTGCGGGTGAAGCTGGTGTCTGCGGGGTTCCAGACTGCTGAGGA-3'
Protein context (NP_478123.1, residues 7-27): RFEMQRDLVS[Phe17Ser]PLSPAVRVKL

ClinVar aggregate classification (germline): Conflicting classifications of pathogenicity. Review status: criteria provided, conflicting classifications (1 of 4 stars). 4 submissions from 4 submitters: Uncertain significance (3); Benign (1). Last evaluated 2026-04-24.

Conditions:
Hereditary cancer-predisposing syndrome. Also called: Hereditary Cancer Syndrome; Hereditary neoplastic syndrome; Tumor predisposition; Neoplastic Syndromes, Hereditary. Identifiers: Orphanet 140162, MedGen C0027672, MeSH D009386, MONDO:0015356.
Fanconi anemia complementation group O. Also called: RAD51C-Related Fanconi Anemia. Identifiers: Orphanet 84, MedGen C3150653, MONDO:0013248, OMIM 613390.

Allele frequency attached by ClinVar (database versions not stated): TOPMed 0.00003.

Submissions (4):

Women's Health and Genetics/Laboratory Corporation of America, LabCorp
Classification: Uncertain significance. Last evaluated: 2026-04-24. Review status: criteria provided, single submitter. Criteria: LabCorp Variant Classification Summary - May 2015. Collection method: clinical testing. Allele origin: germline.
Comment: Variant summary: RAD51C c.50T>C (p.Phe17Ser) results in a non-conservative amino acid change in the encoded protein sequence. Algorithms developed to predict the effect of missense changes on protein structure and function are either unavailable or do not agree on the potential impact of this missense change. The variant was absent in 251454 control chromosomes. The available data on variant occurrences in the general population are insufficient to allow any conclusion about variant significance. To our knowledge, no occurrence of c.50T>C in individuals affected with RAD51C-related conditions and no experimental evidence demonstrating its impact on protein function have been reported. ClinVar contains an entry for this variant (Variation ID: 632964). Based on the evidence outlined above, the variant was classified as uncertain significance.

Ambry Genetics
Classification: Benign for Hereditary cancer-predisposing syndrome. Last evaluated: 2025-10-28. Review status: criteria provided, single submitter. Criteria: Ambry Variant Classification Scheme 2023. Collection method: clinical testing. Allele origin: germline.

Labcorp Genetics (formerly Invitae), Labcorp
Classification: Uncertain significance for Fanconi anemia complementation group O. Last evaluated: 2025-04-07. Review status: criteria provided, single submitter. Criteria: Invitae Variant Classification Sherloc (09022015). Collection method: clinical testing. Allele origin: germline.
Comment: This sequence change replaces phenylalanine, which is neutral and non-polar, with serine, which is neutral and polar, at codon 17 of the RAD51C protein (p.Phe17Ser). This variant is not present in population databases (gnomAD no frequency). This variant has not been reported in the literature in individuals affected with RAD51C-related conditions. ClinVar contains an entry for this variant (Variation ID: 632964). An algorithm developed to predict the effect of missense changes on protein structure and function (PolyPhen-2) suggests that this variant is likely to be tolerated. In summary, the available evidence is currently insufficient to determine the role of this variant in disease. Therefore, it has been classified as a Variant of Uncertain Significance.

GeneDx
Classification: Uncertain significance. Last evaluated: 2022-11-22. Review status: criteria provided, single submitter. Criteria: GeneDx Variant Classification Process June 2021. Collection method: clinical testing. Allele origin: germline. Affected: yes.
Comment: Not observed at significant frequency in large population cohorts (gnomAD); In silico analysis supports that this missense variant has a deleterious effect on protein structure/function; Has not been previously published as pathogenic or benign to our knowledge